The following is an entry in ClinVar:

ClinVar aggregate classification (germline): Uncertain significance. Review status: criteria provided, multiple submitters, no conflicts (2 of 4 stars). 2 submissions from 2 submitters: Uncertain significance (2). Last evaluated 2025-11-26.

gnomAD v4.1: 4 of 1,613,994 alleles (0.00025%); highest among the groups gnomAD compares: South Asian, 0.0033%; no homozygotes.

Submissions (2):

Ambry Genetics
Classification: Uncertain significance. Last evaluated: 2025-11-26. Review status: criteria provided, single submitter. Criteria: Ambry Variant Classification Scheme 2023. Collection method: clinical testing. Allele origin: germline.

Labcorp Genetics (formerly Invitae), Labcorp
Classification: Uncertain significance. Last evaluated: 2024-03-22. Review status: criteria provided, single submitter. Criteria: Invitae Variant Classification Sherloc (09022015). Collection method: clinical testing. Allele origin: germline.
Comment: This sequence change replaces isoleucine, which is neutral and non-polar, with valine, which is neutral and non-polar, at codon 794 of the MYLK3 protein (p.Ile794Val). This variant is present in population databases (rs745928501, gnomAD 0.007%). This variant has not been reported in the literature in individuals affected with MYLK3-related conditions. An algorithm developed to predict the effect of missense changes on protein structure and function (PolyPhen-2) suggests that this variant is likely to be tolerated. In summary, the available evidence is currently insufficient to determine the role of this variant in disease. Therefore, it has been classified as a Variant of Uncertain Significance.

NM_182493.3(MYLK3):c.2380A>G (p.Ile794Val)

Gene: MYLK3 (myosin light chain kinase 3; minus strand). Cytogenetic location: 16q11.2.
Variant type: single nucleotide variant.
Coding change: c.2380A>G on transcript NM_182493.3 (MANE Select); coding-DNA position 2380, A replaced by G.
Protein change: p.Ile794Val; replaces isoleucine 794 with valine.
Molecular consequence: missense variant.
Genome position (GRCh38, 1-based): chr16:46,709,559, T>C on the plus strand (A>G on the coding strand, the complement: MYLK3 is on the minus strand). VCF-style: chr16-46709559-T-C. GRCh37 (hg19) VCF-style: chr16-46743471-T-C.
Other names: c.1357A>G, p.Ile453Val (NM_001308301.1); c.2380A>G (NM_182493.2); short protein forms I453V, I794V.
Identifiers: ClinVar variation 3623817 (VCV003623817.3).